The following is an entry in ClinVar:

NM_000642.3(AGL):c.3451C>T (p.Arg1151Trp)

Gene: AGL (amylo-alpha-1,6-glucosidase and 4-alpha-glucanotransferase; plus strand). Cytogenetic location: 1p21.2.
Variant type: single nucleotide variant.
Coding change: c.3451C>T on transcript NM_000642.3 (MANE Select); coding-DNA position 3451, C replaced by T.
Protein change: p.Arg1151Trp; replaces arginine 1151 with tryptophan.
Molecular consequence: missense variant.
Genome position (GRCh38, 1-based): chr1:99,900,724, C>T. VCF-style: chr1-99900724-C-T. GRCh37 (hg19) VCF-style: chr1-100366280-C-T.
Other names: c.3451C>T, p.Arg1151Trp (NM_000028.3, NM_000643.3, NM_000644.3 and 1 more transcripts); c.3403C>T, p.Arg1135Trp (NM_000646.3); c.3430C>T, p.Arg1144Trp (NM_001425326.1); c.3250C>T, p.Arg1084Trp (NM_001425327.1); c.3247C>T, p.Arg1083Trp (NM_001425328.1); c.3112C>T, p.Arg1038Trp (NM_001425329.1); c.3073C>T, p.Arg1025Trp (NM_001425332.1); short protein forms R1151W, R1135W, R1025W, R1038W, R1083W, R1084W, R1144W.
Identifiers: ClinVar variation 526567 (VCV000526567.14), dbSNP rs370797337, ClinGen allele CA967082.

ClinVar aggregate classification (germline): Uncertain significance. Review status: criteria provided, multiple submitters, no conflicts (2 of 4 stars). 7 submissions from 7 submitters: Uncertain significance (5). 2 of the submissions do not count toward it. Last evaluated 2025-08-09.

Conditions:
Inborn genetic diseases. Identifiers: MedGen C0950123, MeSH D030342.
Glycogen storage disease type III (GSD3). Also called: Cori disease; FORBES DISEASE. Identifiers: Orphanet 366, MedGen C0017922, MONDO:0009291, OMIM 232400.
Meniere disease. Also called: Ménière's disease. Identifiers: MedGen C0025281, MONDO:0007972, OMIM 156000.

Allele frequency attached by ClinVar (database versions not stated): ESP Exome Variant Server 0.00008; ExAC 0.00009; gnomAD 0.00009; gnomAD exomes 0.00010 and 0.00012; TOPMed 0.00013.
gnomAD v4.1: 157 of 1,613,908 alleles (0.0097%); highest among the groups gnomAD compares: Admixed American, 0.045%; no homozygotes.

Submissions (7):

Ambry Genetics
Classification: Uncertain significance for Inborn genetic diseases. Last evaluated: 2025-08-09. Review status: criteria provided, single submitter. Criteria: Ambry Variant Classification Scheme 2023. Collection method: clinical testing. Allele origin: germline.

Labcorp Genetics (formerly Invitae), Labcorp
Classification: Uncertain significance for Glycogen storage disease type III. Last evaluated: 2024-12-16. Review status: criteria provided, single submitter. Criteria: Invitae Variant Classification Sherloc (09022015). Collection method: clinical testing. Allele origin: germline.
Comment: This sequence change replaces arginine, which is basic and polar, with tryptophan, which is neutral and slightly polar, at codon 1151 of the AGL protein (p.Arg1151Trp). This variant is present in population databases (rs370797337, gnomAD 0.04%). This variant has not been reported in the literature in individuals affected with AGL-related conditions. ClinVar contains an entry for this variant (Variation ID: 526567). Invitae Evidence Modeling of protein sequence and biophysical properties (such as structural, functional, and spatial information, amino acid conservation, physicochemical variation, residue mobility, and thermodynamic stability) indicates that this missense variant is expected to disrupt AGL protein function with a positive predictive value of 80%. Algorithms developed to predict the effect of sequence changes on RNA splicing suggest that this variant may disrupt the consensus splice site. In summary, the available evidence is currently insufficient to determine the role of this variant in disease. Therefore, it has been classified as a Variant of Uncertain Significance.

Blueprint Genetics
Classification: Uncertain significance. Last evaluated: 2024-09-07. Review status: criteria provided, single submitter. Criteria: ACMG Guidelines, 2015. Collection method: clinical testing. Allele origin: germline.

Genome-Nilou Lab
Classification: Uncertain significance for Glycogen storage disease type III. Last evaluated: 2023-04-11. Review status: criteria provided, single submitter. Criteria: ACMG Guidelines, 2015. Collection method: clinical testing. Allele origin: germline. Affected: no.

Fulgent Genetics
Classification: Uncertain significance for Glycogen storage disease type III. Last evaluated: 2021-07-04. Review status: criteria provided, single submitter. Criteria: ACMG Guidelines, 2015. Collection method: clinical testing. Allele origin: unknown.

Center for Computational Biology & Bioinformatics, University of California, San Diego
Classification: Uncertain significance for Meniere disease. Last evaluated: 2024-06-03. Review status: no assertion criteria provided. Collection method: research. Allele origin: germline. Affected: yes. Not counted in ClinVar's aggregate classification.

Natera, Inc.
Classification: Uncertain significance for Glycogen storage disease type III. Last evaluated: 2019-10-28. Review status: no assertion criteria provided. Collection method: clinical testing. Allele origin: germline. Not counted in ClinVar's aggregate classification.